The following is an entry in ClinVar:

NM_001032386.2(SUOX):c.575G>A (p.Arg192Gln)

Gene: SUOX (sulfite oxidase; plus strand). Cytogenetic location: 12q13.2.
Variant type: single nucleotide variant.
Coding change: c.575G>A on transcript NM_001032386.2 (MANE Select); coding-DNA position 575, G replaced by A.
Protein change: p.Arg192Gln; replaces arginine 192 with glutamine.
Molecular consequence: missense variant.
Genome position (GRCh38, 1-based): chr12:56,003,964, G>A. VCF-style: chr12-56003964-G-A. GRCh37 (hg19) VCF-style: chr12-56397748-G-A.
Other names: c.575G>A, p.Arg192Gln (NM_000456.3, NM_001032387.2); short protein forms R192Q.
Identifiers: ClinVar variation 1060230 (VCV001060230.8), dbSNP rs535313141, ClinGen allele CA6621006.

ClinVar aggregate classification (germline): Uncertain significance (1 of 4 stars; one submission).

Conditions:
Sulfite oxidase deficiency. Also called: Isolated sulfite oxidase deficiency. Identifiers: Orphanet 833, Orphanet 99731, MedGen C0268624, MONDO:0010089, OMIM 272300, HP:0003643.

Allele frequency attached by ClinVar (database versions not stated): gnomAD exomes 0.00001 and 0.00005; ExAC 0.00006; gnomAD 0.00007 and 0.00010; TOPMed 0.00009; 1000 Genomes Project 0.00100; 1000 Genomes Project 30x 0.00109.
gnomAD v4.1: 37 of 1,614,122 alleles (0.0023%); highest among the groups gnomAD compares: African/African-American, 0.024%; no homozygotes.

Submission:

Labcorp Genetics (formerly Invitae), Labcorp
Classification: Uncertain significance for Sulfite oxidase deficiency. Last evaluated: 2024-08-13. Review status: criteria provided, single submitter. Criteria: Invitae Variant Classification Sherloc (09022015). Collection method: clinical testing. Allele origin: germline.
Comment: This sequence change replaces arginine, which is basic and polar, with glutamine, which is neutral and polar, at codon 192 of the SUOX protein (p.Arg192Gln). This variant is present in population databases (rs535313141, gnomAD 0.03%). This variant has not been reported in the literature in individuals affected with SUOX-related conditions. ClinVar contains an entry for this variant (Variation ID: 1060230). Advanced modeling of protein sequence and biophysical properties (such as structural, functional, and spatial information, amino acid conservation, physicochemical variation, residue mobility, and thermodynamic stability) performed at Invitae indicates that this missense variant is not expected to disrupt SUOX protein function with a negative predictive value of 80%. In summary, the available evidence is currently insufficient to determine the role of this variant in disease. Therefore, it has been classified as a Variant of Uncertain Significance.